The following is an entry in ClinVar:

NM_033026.6(PCLO):c.7373C>A (p.Ala2458Asp)

Gene: PCLO (piccolo presynaptic cytomatrix protein; minus strand). Cytogenetic location: 7q21.11.
Variant type: single nucleotide variant.
Coding change: c.7373C>A on transcript NM_033026.6 (MANE Select); coding-DNA position 7373, C replaced by A.
Protein change: p.Ala2458Asp; replaces alanine 2458 with aspartic acid.
Molecular consequence: missense variant.
Genome position (GRCh38, 1-based): chr7:82,953,580, G>T on the plus strand (C>A on the coding strand, the complement: PCLO is on the minus strand). VCF-style: chr7-82953580-G-T. GRCh37 (hg19) VCF-style: chr7-82582896-G-T.
Other names: c.7373C>A, p.Ala2458Asp (NM_014510.3); short protein forms A2458D.
Identifiers: ClinVar variation 2002393 (VCV002002393.4), dbSNP rs1449914505, ClinGen allele CA367917137.

ClinVar aggregate classification (germline): Uncertain significance (1 of 4 stars; one submission).

gnomAD v4.1: 2 of 1,612,596 alleles (0.00012%); no homozygotes.

Submission:

Labcorp Genetics (formerly Invitae), Labcorp
Classification: Uncertain significance. Last evaluated: 2022-10-17. Review status: criteria provided, single submitter. Criteria: Invitae Variant Classification Sherloc (09022015). Collection method: clinical testing. Allele origin: germline.
Comment: In summary, the available evidence is currently insufficient to determine the role of this variant in disease. Therefore, it has been classified as a Variant of Uncertain Significance. Algorithms developed to predict the effect of missense changes on protein structure and function are either unavailable or do not agree on the potential impact of this missense change (SIFT: "Tolerated"; PolyPhen-2: "Not Available"; Align-GVGD: "Class C0"). This variant has not been reported in the literature in individuals affected with PCLO-related conditions. This variant is not present in population databases (gnomAD no frequency). This sequence change replaces alanine, which is neutral and non-polar, with aspartic acid, which is acidic and polar, at codon 2458 of the PCLO protein (p.Ala2458Asp).